The following is an entry in ClinVar:

ClinVar aggregate classification (germline): Likely pathogenic (1 of 4 stars; one submission).

Conditions:
NOBOX-related disorder. Also called: NOBOX-related condition.

Submission:

PreventionGenetics, part of Exact Sciences
Classification: Likely pathogenic for NOBOX-related condition. Last evaluated: 2024-11-27. Review status: criteria provided, single submitter. Criteria: ACMG Guidelines, 2015. Collection method: clinical testing. Allele origin: germline.
Comment: The NOBOX c.1322dupC variant is predicted to result in a frameshift and premature protein termination (p.Leu442Thrfs*35). To our knowledge, this variant has not been reported in the literature. This variant is reported in 0.019% of alleles in individuals of Latino descent in gnomAD. Frameshift variants in NOBOX are expected to be pathogenic. This variant is interpreted as likely pathogenic.

NM_001436401.1(NOBOX):c.971dup (p.Leu325fs)

Gene: NOBOX (NOBOX oogenesis homeobox; minus strand). Cytogenetic location: 7q35.
Variant type: Duplication.
Coding change: c.971dup on transcript NM_001436401.1 (MANE Select); coding-DNA position 971, one base duplicated (C; older notation c.971dupC).
Protein change: p.Leu325fs; shifts the reading frame from leucine 325.
Molecular consequence: frameshift variant.
Genome position (GRCh38, 1-based): chr7:144,399,097, G duplicated on the plus strand (C on the coding strand, the reverse complement: NOBOX is on the minus strand); the first of 7 consecutive G bases (chr7:144,399,097-144,399,103); duplicating any one gives the same sequence. VCF-style (leftmost placement, unchanged base first): chr7-144399096-T-TG. GRCh37 (hg19) VCF-style: chr7-144096189-T-TG.
Other names: NM_001080413.3:c.1322dupC; c.419dup, p.Leu141fs (NM_001436402.1); short protein forms L325fs, L141fs.
Identifiers: ClinVar variation 4985066 (VCV004985066.1).